The following is an entry in ClinVar:

ClinVar aggregate classification (germline): Uncertain significance (1 of 4 stars; one submission).

Conditions:
Cardiovascular phenotype. Identifiers: MedGen CN230736.

Allele frequency attached by ClinVar (database versions not stated): gnomAD exomes below 0.00001; ExAC 0.00001.
gnomAD v4.1: 5 of 1,614,106 alleles (0.00031%); highest among the groups gnomAD compares: Non-Finnish European, 0.00042%; no homozygotes.

Submission:

Ambry Genetics
Classification: Uncertain significance for Cardiovascular phenotype. Last evaluated: 2020-04-29. Review status: criteria provided, single submitter. Criteria: Ambry Variant Classification Scheme 2023. Collection method: clinical testing. Allele origin: germline.
Comment: The p.R17K variant (also known as c.50G>A), located in coding exon 1 of the MYPN gene, results from a G to A substitution at nucleotide position 50. The arginine at codon 17 is replaced by lysine, an amino acid with highly similar properties. This amino acid position is highly conserved in available vertebrate species. In addition, the in silico prediction for this alteration is inconclusive. Since supporting evidence is limited at this time, the clinical significance of this alteration remains unclear.

NM_032578.4(MYPN):c.50G>A (p.Arg17Lys)

Gene: MYPN (myopalladin; plus strand). Cytogenetic location: 10q21.3.
Variant type: single nucleotide variant.
Coding change: c.50G>A on transcript NM_032578.4 (MANE Select); coding-DNA position 50, G replaced by A.
Protein change: p.Arg17Lys; replaces arginine 17 with lysine.
Molecular consequence: missense variant. On other transcripts: 5 prime UTR variant (1), non-coding transcript variant (1).
Genome position (GRCh38, 1-based): chr10:68,121,488, G>A. VCF-style: chr10-68121488-G-A. GRCh37 (hg19) VCF-style: chr10-69881245-G-A.
Other names: c.50G>A, p.Arg17Lys (NM_001256267.2); c.-1073G>A (NM_001256268.2); short protein forms R17K.
Identifiers: ClinVar variation 1745341 (VCV001745341.2), dbSNP rs764444384, ClinGen allele CA5522210.